The following is an entry in ClinVar:

ClinVar aggregate classification (germline): Uncertain significance (1 of 4 stars; one submission).

Conditions:
Hereditary cancer-predisposing syndrome. Also called: Neoplastic Syndromes, Hereditary; Tumor predisposition; Hereditary Cancer Syndrome; Hereditary neoplastic syndrome. Identifiers: Orphanet 140162, MedGen C0027672, MeSH D009386, MONDO:0015356.

Submission:

Ambry Genetics
Classification: Uncertain significance for Hereditary cancer-predisposing syndrome. Last evaluated: 2024-04-12. Review status: criteria provided, single submitter. Criteria: Ambry Variant Classification Scheme 2023. Collection method: clinical testing. Allele origin: germline.
Comment: The p.Q235H variant (also known as c.705G>T), located in coding exon 6 of the PMS2 gene, results from a G to T substitution at nucleotide position 705. The glutamine at codon 235 is replaced by histidine, an amino acid with highly similar properties. However, this change occurs in the last base pair of coding exon 6, which makes it likely to have some effect on normal mRNA splicing. This nucleotide position is highly conserved in available vertebrate species. This amino acid position is highly conserved in available vertebrate species. In silico splice site analysis predicts that this alteration will weaken the native splice donor site. In addition, as a missense substitution this is predicted to be deleterious by in silico analysis. Based on the available evidence, the clinical significance of this variant remains unclear.

NM_000535.7(PMS2):c.705G>T (p.Gln235His)

Gene: PMS2 (PMS1 homolog 2, mismatch repair system component; minus strand). Cytogenetic location: 7p22.1.
Variant type: single nucleotide variant.
Coding change: c.705G>T on transcript NM_000535.7 (MANE Select); coding-DNA position 705, G replaced by T.
Protein change: p.Gln235His; replaces glutamine 235 with histidine.
Molecular consequence: missense variant. On other transcripts: 5 prime UTR variant (2), non-coding transcript variant (1), intron variant (1).
Genome position (GRCh38, 1-based): chr7:5,999,108, C>A on the plus strand (G>T on the coding strand, the complement: PMS2 is on the minus strand). VCF-style: chr7-5999108-C-A. GRCh37 (hg19) VCF-style: chr7-6038739-C-A.
Other names: c.300G>T, p.Gln100His (NM_001018040.1, NM_001322003.2, NM_001322004.2 and 20 more transcripts); c.705G>T, p.Gln235His (NM_001322006.2, NM_001322014.2, NM_001406870.1 and 4 more transcripts); c.387G>T, p.Gln129His (NM_001322007.2, NM_001322008.2, NM_001406876.1 and 4 more transcripts); c.-229G>T (NM_001322011.2, NM_001322012.2); c.396G>T, p.Gln132His (NM_001322015.2, NM_001406875.1, NM_001406877.1 and 6 more transcripts); c.891G>T, p.Gln297His (NM_001406866.1); c.729G>T, p.Gln243His (NM_001406868.1); c.369G>T, p.Gln123His (NM_001406885.1); and 1 more; short protein forms Q235H, Q129H, Q132H, Q100H, Q123H, Q243H, Q297H.
Identifiers: ClinVar variation 1756946 (VCV001756946.3), dbSNP rs876660872, ClinGen allele CA366743807.